The following is an entry in ClinVar:

ClinVar aggregate classification (germline): Uncertain significance (1 of 4 stars; one submission).

gnomAD v4.1: 1 of 1,612,706 alleles (0.000062%); highest among the groups gnomAD compares: South Asian, 0.0011%; no homozygotes.

Submission:

GeneDx
Classification: Uncertain significance. Last evaluated: 2024-05-20. Review status: criteria provided, single submitter. Criteria: GeneDx Variant Classification Process June 2021. Collection method: clinical testing. Allele origin: germline. Affected: yes.
Comment: Not observed at significant frequency in large population cohorts (gnomAD); In silico analysis supports that this missense variant has a deleterious effect on protein structure/function; Has not been previously published as pathogenic or benign to our knowledge

NM_001042475.3(CEP85L):c.1451A>G (p.Asp484Gly)

Gene: CEP85L (centrosomal protein 85 like; minus strand). Cytogenetic location: 6q22.31.
Variant type: single nucleotide variant.
Coding change: c.1451A>G on transcript NM_001042475.3 (MANE Select); coding-DNA position 1451, A replaced by G.
Protein change: p.Asp484Gly; replaces aspartic acid 484 with glycine.
Molecular consequence: missense variant.
Genome position (GRCh38, 1-based): chr6:118,483,845, T>C on the plus strand (A>G on the coding strand, the complement: CEP85L is on the minus strand). VCF-style: chr6-118483845-T-C. GRCh37 (hg19) VCF-style: chr6-118805008-T-C.
Other names: c.1460A>G, p.Asp487Gly (NM_001178035.2); short protein forms D484G, D487G.
Identifiers: ClinVar variation 3381687 (VCV003381687.1).